The following is an entry in ClinVar:

ClinVar aggregate classification (germline): Uncertain significance (1 of 4 stars; one submission).

Conditions:
Gingival disorder. Also called: Gingival disease. Identifiers: MedGen C0017563, MONDO:0002021.

Allele frequency attached by ClinVar (database versions not stated): TOPMed 0.00007; ESP Exome Variant Server 0.00008.
gnomAD v4.1: 79 of 1,614,042 alleles (0.0049%); highest among the groups gnomAD compares: Admixed American, 0.042%; no homozygotes.

Submission:

Labcorp Genetics (formerly Invitae), Labcorp
Classification: Uncertain significance for Gingival disorder. Last evaluated: 2026-02-01. Review status: criteria provided, single submitter. Criteria: Invitae Variant Classification Sherloc (09022015). Collection method: clinical testing. Allele origin: germline.
Comment: This sequence change replaces isoleucine, which is neutral and non-polar, with valine, which is neutral and non-polar, at codon 147 of the FPR1 protein (p.Ile147Val). This variant is present in population databases (rs183314714, gnomAD 0.03%). This variant has not been reported in the literature in individuals affected with FPR1-related conditions. ClinVar contains an entry for this variant (Variation ID: 651669). An algorithm developed to predict the effect of missense changes on protein structure and function outputs the following: PolyPhen-2: "Benign". The valine amino acid residue is found in multiple mammalian species, which suggests that this missense change does not adversely affect protein function. In summary, the available evidence is currently insufficient to determine the role of this variant in disease. Therefore, it has been classified as a Variant of Uncertain Significance.

NM_002029.4(FPR1):c.439A>G (p.Ile147Val)

Gene: FPR1 (formyl peptide receptor 1; minus strand). Cytogenetic location: 19q13.41.
Variant type: single nucleotide variant.
Coding change: c.439A>G on transcript NM_002029.4 (MANE Select); coding-DNA position 439, A replaced by G.
Protein change: p.Ile147Val; replaces isoleucine 147 with valine.
Molecular consequence: missense variant.
Genome position (GRCh38, 1-based): chr19:51,746,556, T>C on the plus strand (A>G on the coding strand, the complement: FPR1 is on the minus strand). VCF-style: chr19-51746556-T-C. GRCh37 (hg19) VCF-style: chr19-52249809-T-C.
Other names: c.439A>G, p.Ile147Val (NM_001193306.2); short protein forms I147V.
Identifiers: ClinVar variation 651669 (VCV000651669.8), dbSNP rs183314714, ClinGen allele CA9616463.